The following is an entry in ClinVar:

NM_000143.4(FH):c.325G>A (p.Asp109Asn)

Gene: FH (fumarate hydratase; minus strand). Cytogenetic location: 1q43.
Variant type: single nucleotide variant.
Coding change: c.325G>A on transcript NM_000143.4 (MANE Select); coding-DNA position 325, G replaced by A.
Protein change: p.Asp109Asn; replaces aspartic acid 109 with asparagine.
Molecular consequence: missense variant.
Genome position (GRCh38, 1-based): chr1:241,513,656, C>T on the plus strand (G>A on the coding strand, the complement: FH is on the minus strand). VCF-style: chr1-241513656-C-T. GRCh37 (hg19) VCF-style: chr1-241676956-C-T.
Other names: short protein forms D109N.
Identifiers: ClinVar variation 4809577 (VCV004809577.1).

ClinVar aggregate classification (germline): Uncertain significance (1 of 4 stars; one submission).

Submission:

Labcorp Genetics (formerly Invitae), Labcorp
Classification: Uncertain significance. Last evaluated: 2025-11-22. Review status: criteria provided, single submitter. Criteria: Invitae Variant Classification Sherloc (09022015). Collection method: clinical testing. Allele origin: germline.
Comment: This sequence change replaces aspartic acid, which is acidic and polar, with asparagine, which is neutral and polar, at codon 109 of the FH protein (p.Asp109Asn). This variant is not present in population databases (gnomAD no frequency). This variant has not been reported in the literature in individuals affected with FH-related conditions. Invitae Evidence Modeling of protein sequence and biophysical properties (such as structural, functional, and spatial information, amino acid conservation, physicochemical variation, residue mobility, and thermodynamic stability) indicates that this missense variant is not expected to disrupt FH protein function with a negative predictive value of 80%. In summary, the available evidence is currently insufficient to determine the role of this variant in disease. Therefore, it has been classified as a Variant of Uncertain Significance.